The following is an entry in ClinVar:

NM_022765.4(MICAL1):c.2929C>T (p.Leu977Phe)

Gene: MICAL1 (microtubule associated monooxygenase, calponin and LIM domain containing 1; minus strand). Cytogenetic location: 6q21.
Variant type: single nucleotide variant.
Coding change: c.2929C>T on transcript NM_022765.4 (MANE Select); coding-DNA position 2929, C replaced by T.
Protein change: p.Leu977Phe; replaces leucine 977 with phenylalanine.
Molecular consequence: missense variant.
Genome position (GRCh38, 1-based): chr6:109,444,948, G>A on the plus strand (C>T on the coding strand, the complement: MICAL1 is on the minus strand). VCF-style: chr6-109444948-G-A. GRCh37 (hg19) VCF-style: chr6-109766151-G-A.
Other names: c.2671C>T, p.Leu891Phe (NM_001159291.2); c.2986C>T, p.Leu996Phe (NM_001286613.2); short protein forms L891F, L977F, L996F.
Identifiers: ClinVar variation 2966409 (VCV002966409.3), dbSNP rs1304662079, ClinGen allele CA365221239.

ClinVar aggregate classification (germline): Uncertain significance (1 of 4 stars; one submission).

Allele frequency attached by ClinVar (database versions not stated): gnomAD exomes below 0.00001.

Submission:

Labcorp Genetics (formerly Invitae), Labcorp
Classification: Uncertain significance. Last evaluated: 2023-02-01. Review status: criteria provided, single submitter. Criteria: Invitae Variant Classification Sherloc (09022015). Collection method: clinical testing. Allele origin: germline.
Comment: In summary, the available evidence is currently insufficient to determine the role of this variant in disease. Therefore, it has been classified as a Variant of Uncertain Significance. Algorithms developed to predict the effect of missense changes on protein structure and function are either unavailable or do not agree on the potential impact of this missense change (SIFT: "Deleterious"; PolyPhen-2: "Possibly Damaging"; Align-GVGD: "Class C0"). This variant has not been reported in the literature in individuals affected with MICAL1-related conditions. This variant is present in population databases (no rsID available, gnomAD 0.003%). This sequence change replaces leucine, which is neutral and non-polar, with phenylalanine, which is neutral and non-polar, at codon 996 of the MICAL1 protein (p.Leu996Phe).